The following is an entry in ClinVar:

NM_000256.3(MYBPC3):c.2035C>T (p.Pro679Ser)

Gene: MYBPC3 (myosin binding protein C3; minus strand). Cytogenetic location: 11p11.2.
Variant type: single nucleotide variant.
Coding change: c.2035C>T on transcript NM_000256.3 (MANE Select); coding-DNA position 2035, C replaced by T.
Protein change: p.Pro679Ser; replaces proline 679 with serine.
Molecular consequence: missense variant.
Genome position (GRCh38, 1-based): chr11:47,339,683, G>A on the plus strand (C>T on the coding strand, the complement: MYBPC3 is on the minus strand). VCF-style: chr11-47339683-G-A. GRCh37 (hg19) VCF-style: chr11-47361234-G-A.
Other names: c.2035C>T, p.Pro679Ser (LRG_386t1); short protein forms P679S.
Identifiers: ClinVar variation 161302 (VCV000161302.16), dbSNP rs372493586, ClinGen allele CA011676.

ClinVar aggregate classification (germline): Uncertain significance. Review status: criteria provided, multiple submitters, no conflicts (2 of 4 stars). 6 submissions from 6 submitters: Uncertain significance (5). 1 of the submissions does not count toward it. Last evaluated 2026-02-25.

Conditions:
Cardiovascular phenotype. Identifiers: MedGen CN230736.
Left ventricular noncompaction 10 (LVNC10). Identifiers: Orphanet 154, Orphanet 54260, MedGen C3715165, MONDO:0014163, OMIM 615396.
Hypertrophic cardiomyopathy 4. Also called: Familial hypertrophic cardiomyopathy 4. Identifiers: MedGen C1861862, MONDO:0007268, OMIM 115197.
Cardiomyopathy (CMYO). Also called: Cardiomyopathies. Identifiers: Orphanet 167848, MedGen C0878544, MONDO:0004994, HP:0001638. Inheritance: Various modes of inheritance.
Primary familial hypertrophic cardiomyopathy (HCM). Identifiers: Orphanet 99739, MedGen C0949658, MeSH D024741, MONDO:0024573. Inheritance: Various modes of inheritance.
Hypertrophic cardiomyopathy. Also called: HYPERTROPHIC MYOCARDIOPATHY. Identifiers: Orphanet 217569, MedGen C0007194, MeSH D002312, MONDO:0005045, HP:0001639.

Allele frequency attached by ClinVar (database versions not stated): gnomAD exomes below 0.00001; gnomAD 0.00001; ESP Exome Variant Server 0.00008.
gnomAD v4.1: 2 of 1,611,784 alleles (0.00012%); highest among the groups gnomAD compares: Non-Finnish European, 0.00017%; no homozygotes.

Submissions (6):

Institute of Immunology and Genetics Kaiserslautern
Classification: Uncertain significance for Hypertrophic cardiomyopathy 4; Left ventricular noncompaction 10. Last evaluated: 2026-02-25. Review status: criteria provided, single submitter. Criteria: ACMG Guidelines, 2015. Collection method: clinical testing. Allele origin: germline. Affected: yes.
Comment: ACMG Criteria: PS4_P, PM2_P, PP3; Variant was found in heterozygous state.

Labcorp Genetics (formerly Invitae), Labcorp
Classification: Uncertain significance for Hypertrophic cardiomyopathy. Last evaluated: 2025-03-11. Review status: criteria provided, single submitter. Criteria: Invitae Variant Classification Sherloc (09022015). Collection method: clinical testing. Allele origin: germline.
Comment: This sequence change replaces proline, which is neutral and non-polar, with serine, which is neutral and polar, at codon 679 of the MYBPC3 protein (p.Pro679Ser). This variant is present in population databases (rs372493586, gnomAD 0.0009%). This missense change has been observed in individual(s) with hypertrophic cardiomyopathy (PMID: 21750094). ClinVar contains an entry for this variant (Variation ID: 161302). An algorithm developed to predict the effect of missense changes on protein structure and function (PolyPhen-2) suggests that this variant is likely to be disruptive. In summary, the available evidence is currently insufficient to determine the role of this variant in disease. Therefore, it has been classified as a Variant of Uncertain Significance.

All of Us Research Program, National Institutes of Health
Classification: Uncertain significance for Hypertrophic cardiomyopathy. Last evaluated: 2024-02-05. Review status: criteria provided, single submitter. Criteria: ACMG Guidelines, 2015. Collection method: clinical testing. Allele origin: germline. Inheritance: Autosomal dominant inheritance. Observed: 2 variant alleles, 2 heterozygotes.
Comment: This missense variant replaces proline with serine at codon 679 of the MYBPC3 protein. Computational prediction suggests that this variant may have deleterious impact on protein structure and function (internally defined REVEL score threshold >= 0.7, PMID: 27666373). Splice site prediction tools suggest that this variant may not impact RNA splicing. To our knowledge, functional studies have not been performed for this variant. This variant has not been reported in individuals affected with cardiovascular disorders in the literature. This variant has not been identified in the general population by the Genome Aggregation Database (gnomAD). The available evidence is insufficient to determine the role of this variant in disease conclusively. Therefore, this variant is classified as a Variant of Uncertain Significance.

This study involves interpretation of variants in research participants for the purpose of population health screening. Participant phenotype was not available at the time of variant classification. Additional details can be found in publication PMID: 35346344, PMCID: PMC8962531

Color Diagnostics, LLC DBA Color Health
Classification: Uncertain significance for Cardiomyopathy. Last evaluated: 2023-08-16. Review status: criteria provided, single submitter. Criteria: ACMG Guidelines, 2015. Collection method: clinical testing. Allele origin: germline.
Comment: This missense variant replaces proline with serine at codon 679 of the MYBPC3 protein. Computational prediction suggests that this variant may have a deleterious impact on protein structure and function (internally defined REVEL score threshold >= 0.7, PMID: 27666373). To our knowledge, functional studies have not been reported for this variant. This variant has been reported in an individual affected with hypertrophic cardiomyopathy (PMID: 21750094). This variant has not been identified in the general population by the Genome Aggregation Database (gnomAD). The available evidence is insufficient to determine the role of this variant in disease conclusively. Therefore, this variant is classified as a Variant of Uncertain Significance.

Ambry Genetics
Classification: Uncertain significance for Cardiovascular phenotype. Last evaluated: 2023-04-27. Review status: criteria provided, single submitter. Criteria: Ambry Variant Classification Scheme 2023. Collection method: clinical testing. Allele origin: germline.
Comment: The p.P679S variant (also known as c.2035C>T), located in coding exon 21 of the MYBPC3 gene, results from a C to T substitution at nucleotide position 2035. The proline at codon 679 is replaced by serine, an amino acid with similar properties. This alteration has been reported in a hypertrophic cardiomyopathy (HCM) cohort; however, clinical details were limited (Waldm&uuml;ller S et al. Eur J Heart Fail, 2011 Nov;13:1185-92). This amino acid position is highly conserved in available vertebrate species. In addition, this alteration is predicted to be deleterious by in silico analysis. Since supporting evidence is limited at this time, the clinical significance of this alteration remains unclear.

CSER _CC_NCGL, University of Washington
Classification: Uncertain significance for Cardiomyopathy, hypertrophic. Last evaluated: 2014-06-01. Review status: no assertion criteria provided. Collection method: research. Allele origin: germline. Inheritance: Autosomal dominant inheritance. Study: ESP 6500 variant annotation. Not counted in ClinVar's aggregate classification.
Comment: Variants classified for the Actionable exomic incidental findings in 6503 participants: challenges of variant classification manuscript

Literature cited by the submitters: PubMed 21750094 (cited by 3 submitters).